The following is an entry in ClinVar:

NM_000807.4(GABRA2):c.129G>A (p.Thr43=)

Gene: GABRA2 (gamma-aminobutyric acid type A receptor subunit alpha2; minus strand). Cytogenetic location: 4p12.
Variant type: single nucleotide variant.
Coding change: c.129G>A on transcript NM_000807.4 (MANE Select); coding-DNA position 129, G replaced by A.
Protein change: p.Thr43=; no amino-acid change (threonine 43 retained).
Molecular consequence: synonymous variant. On other transcripts: missense variant (4).
Genome position (GRCh38, 1-based): chr4:46,386,132, C>T on the plus strand (G>A on the coding strand, the complement: GABRA2 is on the minus strand). VCF-style: chr4-46386132-C-T. GRCh37 (hg19) VCF-style: chr4-46388149-C-T.
Other names: c.32G>A (NM_001286827.2); c.129G>A, p.Thr43= (NM_001114175.3, NM_001330690.2, NM_001377144.1 and 8 more transcripts); c.32G>A, p.Arg11Gln (NM_001286827.3, NM_001377152.1, NM_001377153.1 and 1 more transcripts); short protein forms R11Q.
Identifiers: ClinVar variation 2155349 (VCV002155349.6), dbSNP rs376627530, ClinGen allele CA2906787.

ClinVar aggregate classification (germline): Likely benign. Review status: criteria provided, single submitter (1 of 4 stars). 2 submissions from 2 submitters: Likely benign (1). 1 of the submissions does not count toward it. Last evaluated 2025-01-06.

Conditions:
GABRA2-related disorder. Also called: GABRA2-related condition.

Allele frequency attached by ClinVar (database versions not stated): gnomAD 0.00001; gnomAD exomes 0.00001; ExAC 0.00004; 1000 Genomes Project 30x 0.00016; 1000 Genomes Project 0.00020.
gnomAD v4.1: 14 of 1,611,824 alleles (0.00087%); highest among the groups gnomAD compares: East Asian, 0.011%; no homozygotes.

Submissions (2):

Labcorp Genetics (formerly Invitae), Labcorp
Classification: Likely benign. Last evaluated: 2025-01-06. Review status: criteria provided, single submitter. Criteria: Invitae Variant Classification Sherloc (09022015). Collection method: clinical testing. Allele origin: germline.

PreventionGenetics, part of Exact Sciences
Classification: Likely benign for GABRA2-related condition. Last evaluated: 2019-08-16. Review status: no assertion criteria provided. Collection method: clinical testing. Allele origin: germline. Not counted in ClinVar's aggregate classification.
Comment: This variant is classified as likely benign based on ACMG/AMP sequence variant interpretation guidelines (Richards et al. 2015 PMID: 25741868, with internal and published modifications).